The following is an entry in ClinVar:

NM_001036.6(RYR3):c.5356G>A (p.Gly1786Ser)

Gene: RYR3 (ryanodine receptor 3; plus strand). Cytogenetic location: 15q14.
Variant type: single nucleotide variant.
Coding change: c.5356G>A on transcript NM_001036.6 (MANE Select); coding-DNA position 5356, G replaced by A.
Protein change: p.Gly1786Ser; replaces glycine 1786 with serine.
Molecular consequence: missense variant.
Genome position (GRCh38, 1-based): chr15:33,662,886, G>A. VCF-style: chr15-33662886-G-A. GRCh37 (hg19) VCF-style: chr15-33955087-G-A.
Other names: c.5356G>A, p.Gly1786Ser (NM_001243996.4); c.5356G>A (NM_001036.3); short protein forms G1786S.
Identifiers: ClinVar variation 943658 (VCV000943658.10), dbSNP rs759581452, ClinGen allele CA7459222.

ClinVar aggregate classification (germline): Conflicting classifications of pathogenicity. Review status: criteria provided, conflicting classifications (1 of 4 stars). 2 submissions from 2 submitters: Uncertain significance (1); Likely benign (1). Last evaluated 2021-07-06.

Conditions:
Epileptic encephalopathy. Identifiers: MedGen C0543888, HP:0200134.

Allele frequency attached by ClinVar (database versions not stated): gnomAD 0.00001 and 0.00002; ExAC 0.00002; TOPMed 0.00003.
gnomAD v4.1: 22 of 1,613,438 alleles (0.0014%); highest among the groups gnomAD compares: Middle Eastern, 0.049%; no homozygotes.

Submissions (2):

Ambry Genetics
Classification: Likely benign. Last evaluated: 2021-07-06. Review status: criteria provided, single submitter. Criteria: Ambry Variant Classification Scheme 2023. Collection method: clinical testing. Allele origin: germline.

Labcorp Genetics (formerly Invitae), Labcorp
Classification: Uncertain significance for Epileptic encephalopathy. Last evaluated: 2019-05-18. Review status: criteria provided, single submitter. Criteria: Invitae Variant Classification Sherloc (09022015). Collection method: clinical testing. Allele origin: germline.
Comment: In summary, the available evidence is currently insufficient to determine the role of this variant in disease. Therefore, it has been classified as a Variant of Uncertain Significance. Algorithms developed to predict the effect of missense changes on protein structure and function output the following: SIFT: "Tolerated"; PolyPhen-2: "Benign"; Align-GVGD: "Class C0". The serine amino acid residue is found in multiple mammalian species, suggesting that this missense change does not adversely affect protein function. These predictions have not been confirmed by published functional studies and their clinical significance is uncertain. This sequence change replaces glycine with serine at codon 1786 of the RYR3 protein (p.Gly1786Ser). The glycine residue is weakly conserved and there is a small physicochemical difference between glycine and serine. This variant is present in population databases (rs759581452, ExAC 0.002%). This variant has not been reported in the literature in individuals with RYR3-related conditions.